The following is an entry in ClinVar:

NM_002055.5(GFAP):c.499A>G (p.Asn167Asp)

Gene: GFAP (glial fibrillary acidic protein; minus strand). Cytogenetic location: 17q21.31.
Variant type: single nucleotide variant.
Coding change: c.499A>G on transcript NM_002055.5 (MANE Select); coding-DNA position 499, A replaced by G.
Protein change: p.Asn167Asp; replaces asparagine 167 with aspartic acid.
Molecular consequence: missense variant.
Genome position (GRCh38, 1-based): chr17:44,914,051, T>C on the plus strand (A>G on the coding strand, the complement: GFAP is on the minus strand). VCF-style: chr17-44914051-T-C. GRCh37 (hg19) VCF-style: chr17-42991419-T-C.
Other names: c.499A>G, p.Asn167Asp (NM_001131019.3, NM_001242376.3, NM_001363846.2); short protein forms N167D.
Identifiers: ClinVar variation 4997925 (VCV004997925.1).

ClinVar aggregate classification (germline): Uncertain significance (1 of 4 stars; one submission).

Conditions:
GFAP-related disorder. Also called: GFAP-related condition; GFAP-related disorders.

Submission:

PreventionGenetics, part of Exact Sciences
Classification: Uncertain significance for GFAP-related condition. Last evaluated: 2025-01-07. Review status: criteria provided, single submitter. Criteria: ACMG Guidelines, 2015. Collection method: clinical testing. Allele origin: germline.
Comment: The GFAP c.499A>G variant is predicted to result in the amino acid substitution p.Asn167Asp. To our knowledge, this variant has not been reported in the literature or in a large population database (gnomAD), indicating this variant is rare. At this time, the clinical significance of this variant is uncertain due to the absence of conclusive functional and genetic evidence.